The following is an entry in ClinVar:

NM_001358235.2(DCHS2):c.5020+8G>T

Gene: DCHS2 (dachsous cadherin-related 2; minus strand). Cytogenetic location: 4q31.3.
Variant type: single nucleotide variant.
Coding change: c.5020+8G>T on transcript NM_001358235.2 (MANE Select); 8 bases into the intron after coding-DNA position 5020, G replaced by T.
Molecular consequence: intron variant.
Genome position (GRCh38, 1-based): chr4:154,320,371, C>A on the plus strand (G>T on the coding strand, the complement: DCHS2 is on the minus strand). VCF-style: chr4-154320371-C-A. GRCh37 (hg19) VCF-style: chr4-155241523-C-A.
Identifiers: ClinVar variation 3040740 (VCV003040740.2), dbSNP rs1736008684, ClinGen allele CA2740091580.

ClinVar aggregate classification (germline): Likely benign (0 of 4 stars; one submission).

Conditions:
DCHS2-related disorder. Also called: DCHS2-related condition.

Submission:

PreventionGenetics, part of Exact Sciences
Classification: Likely benign for DCHS2-related condition. Last evaluated: 2019-09-19. Review status: no assertion criteria provided. Collection method: clinical testing. Allele origin: germline.
Comment: This variant is classified as likely benign based on ACMG/AMP sequence variant interpretation guidelines (Richards et al. 2015 PMID: 25741868, with internal and published modifications).